The following is an entry in ClinVar:

ClinVar aggregate classification (germline): Conflicting classifications of pathogenicity. Review status: criteria provided, conflicting classifications (1 of 4 stars). 2 submissions from 2 submitters: Likely pathogenic (1); Uncertain significance (1). Last evaluated 2025-07-12.

Conditions:
MEGF10-related myopathy (CMYO10A). Also called: Congenital myopathy 10A, severe variant. Identifiers: Orphanet 439212, MedGen C3280679, MONDO:0013731, OMIM 614399.

Allele frequency attached by ClinVar (database versions not stated): gnomAD 0.00001; gnomAD exomes 0.00001; ExAC 0.00001; TOPMed 0.00002.
gnomAD v4.1: 20 of 1,609,416 alleles (0.0012%); highest among the groups gnomAD compares: Non-Finnish European, 0.0017%; no homozygotes.

Submissions (2):

GeneDx
Classification: Likely pathogenic. Last evaluated: 2025-07-12. Review status: criteria provided, single submitter. Criteria: GeneDx Variant Classification Process June 2021. Collection method: clinical testing. Allele origin: germline.
Comment: Not observed at significant frequency in large population cohorts (gnomAD); In silico analysis supports that this missense variant has a deleterious effect on protein structure/function; Has not been previously published as pathogenic or benign to our knowledge

Labcorp Genetics (formerly Invitae), Labcorp
Classification: Uncertain significance for MEGF10-related myopathy. Last evaluated: 2023-11-27. Review status: criteria provided, single submitter. Criteria: Invitae Variant Classification Sherloc (09022015). Collection method: clinical testing. Allele origin: germline.
Comment: This sequence change replaces cysteine, which is neutral and slightly polar, with arginine, which is basic and polar, at codon 370 of the MEGF10 protein (p.Cys370Arg). The frequency data for this variant in the population databases is considered unreliable, as metrics indicate poor data quality at this position in the gnomAD database. This variant has not been reported in the literature in individuals affected with MEGF10-related conditions. ClinVar contains an entry for this variant (Variation ID: 1499388). Advanced modeling of protein sequence and biophysical properties (such as structural, functional, and spatial information, amino acid conservation, physicochemical variation, residue mobility, and thermodynamic stability) performed at Invitae indicates that this missense variant is expected to disrupt MEGF10 protein function with a positive predictive value of 80%. In summary, the available evidence is currently insufficient to determine the role of this variant in disease. Therefore, it has been classified as a Variant of Uncertain Significance.

NM_001256545.2(MEGF10):c.1108T>C (p.Cys370Arg)

Gene: MEGF10 (multiple EGF like domains 10; plus strand). Cytogenetic location: 5q23.2.
Variant type: single nucleotide variant.
Coding change: c.1108T>C on transcript NM_001256545.2 (MANE Select); coding-DNA position 1108, T replaced by C.
Protein change: p.Cys370Arg; replaces cysteine 370 with arginine.
Molecular consequence: missense variant.
Genome position (GRCh38, 1-based): chr5:127,410,579, T>C. VCF-style: chr5-127410579-T-C. GRCh37 (hg19) VCF-style: chr5-126746271-T-C.
Other names: c.1108T>C, p.Cys370Arg (NM_001308119.2, NM_001308121.2, NM_032446.3); c.1108T>C (NM_032446.2); short protein forms C370R.
Identifiers: ClinVar variation 1499388 (VCV001499388.8), dbSNP rs769248944, ClinGen allele CA3391484.
Genomic context (GRCh38, chr5:127,410,579, plus strand): 5'-TGCGAAGCACGCCTGTGTCCTGAGGGGCTCTACGGCATCAAATGTGACAAACGGTGTCCC[T>C]GCCACCTGGAAAACACTCATAGGTGAGTGTCAGCTTCCCCTGGAAGGACGTGTCCTGTGA-3'
Protein context (NP_001243474.1, residues 360-380): YGIKCDKRCP[Cys370Arg]HLENTHSCHP